The following is an entry in ClinVar:

NM_004086.3(COCH):c.1591G>C (p.Glu531Gln)

Genes: COCH (cochlin; plus strand), LOC100506071 (uncharacterized LOC100506071; minus strand). Cytogenetic location: 14q12.
Variant type: single nucleotide variant.
Coding change: c.1591G>C on transcript NM_004086.3 (MANE Select); coding-DNA position 1591, G replaced by C.
Protein change: p.Glu531Gln; replaces glutamic acid 531 with glutamine.
Molecular consequence: missense variant. On other transcripts: non-coding transcript variant (1).
Genome position (GRCh38, 1-based): chr14:30,889,729, G>C. VCF-style: chr14-30889729-G-C. GRCh37 (hg19) VCF-style: chr14-31358935-G-C.
Other names: c.1591G>C, p.Glu531Gln (NM_001135058.2); c.1786G>C, p.Glu596Gln (NM_001347720.2); short protein forms E531Q, E596Q.
Identifiers: ClinVar variation 1207621 (VCV001207621.5), dbSNP rs149072811, ClinGen allele CA7143363.

ClinVar aggregate classification (germline): Uncertain significance. Review status: criteria provided, multiple submitters, no conflicts (2 of 4 stars). 2 submissions from 2 submitters: Uncertain significance (2). Last evaluated 2025-06-11.

Allele frequency attached by ClinVar (database versions not stated): gnomAD exomes 0.00015 and 0.00008; ExAC 0.00007; TOPMed 0.00010; gnomAD 0.00012 and 0.00013; ESP Exome Variant Server 0.00023.
gnomAD v4.1: 240 of 1,613,862 alleles (0.015%); highest among the groups gnomAD compares: Admixed American, 0.02%; no homozygotes.

Submissions (2):

GeneDx
Classification: Uncertain significance. Last evaluated: 2025-06-11. Review status: criteria provided, single submitter. Criteria: GeneDx Variant Classification Process June 2021. Collection method: clinical testing. Allele origin: germline. Affected: yes.
Comment: In silico analysis suggests that this missense variant does not alter protein structure/function; Has not been previously published as pathogenic or benign to our knowledge

Breakthrough Genomics
Classification: Uncertain significance. Review status: criteria provided, single submitter. Criteria: ACMG Guidelines, 2015. Collection method: not provided. Allele origin: germline. Inheritance: Autosomal recessive inheritance. Affected: yes.